The following is an entry in ClinVar:

NM_000108.5(DLD):c.-7C>G

Gene: DLD (dihydrolipoamide dehydrogenase; plus strand). Cytogenetic location: 7q31.1.
Variant type: single nucleotide variant.
Coding change: c.-7C>G on transcript NM_000108.5 (MANE Select); 7 bases upstream of the start codon, C replaced by G.
Molecular consequence: 5 prime UTR variant.
Genome position (GRCh38, 1-based): chr7:107,891,244, C>G. VCF-style: chr7-107891244-C-G. GRCh37 (hg19) VCF-style: chr7-107531689-C-G.
Other names: c.-155C>G (NM_001289750.1); c.-7C>G (NM_001289751.1, NM_001289752.1).
Identifiers: ClinVar variation 392114 (VCV000392114.1), dbSNP rs761428885, ClinGen allele CA4434309.

ClinVar aggregate classification (germline): Likely benign (1 of 4 stars; one submission).

Allele frequency attached by ClinVar (database versions not stated): gnomAD 0.00001 and 0.00003; TOPMed 0.00002; ExAC 0.00009.
gnomAD v4.1: 59 of 1,613,970 alleles (0.0037%); highest among the groups gnomAD compares: South Asian, 0.058%; no homozygotes.

Submission:

GeneDx
Classification: Likely benign. Last evaluated: 2017-01-05. Review status: criteria provided, single submitter. Criteria: GeneDx Variant Classification (06012015). Collection method: clinical testing. Allele origin: germline. Affected: yes.
Comment: This variant is considered likely benign or benign based on one or more of the following criteria: it is a conservative change, it occurs at a poorly conserved position in the protein, it is predicted to be benign by multiple in silico algorithms, and/or has population frequency not consistent with disease.